The following is an entry in ClinVar:

ClinVar aggregate classification (germline): Likely pathogenic (1 of 4 stars; one submission).

Conditions:
Dilated cardiomyopathy 1G (CMD1G). Identifiers: Orphanet 154, MedGen C1858763, MONDO:0011400, OMIM 604145.
Autosomal recessive limb-girdle muscular dystrophy type 2J (LGMDR10). Also called: Limb-girdle muscular dystrophy, type 2J; MUSCULAR DYSTROPHY, LIMB-GIRDLE, AUTOSOMAL RECESSIVE 10. Identifiers: Orphanet 140922, MedGen C1837342, MONDO:0012127, OMIM 608807.

Submission:

Labcorp Genetics (formerly Invitae), Labcorp
Classification: Likely pathogenic for Dilated cardiomyopathy 1G; Autosomal recessive limb-girdle muscular dystrophy type 2J. Last evaluated: 2022-11-30. Review status: criteria provided, single submitter. Criteria: Invitae Variant Classification Sherloc (09022015). Collection method: clinical testing. Allele origin: germline.
Comment: In summary, the currently available evidence indicates that the variant is pathogenic, but additional data are needed to prove that conclusively. Therefore, this variant has been classified as Likely Pathogenic. This variant is located in the A band of TTN (PMID: 25589632). Truncating variants in this region are significantly overrepresented in patients affected with dilated cardiomyopathy (PMID: 25589632). Truncating variants in this region have also been reported in individuals affected with autosomal recessive centronuclear myopathy (PMID: 23975875). This variant has not been reported in the literature in individuals affected with TTN-related conditions. This variant is not present in population databases (gnomAD no frequency). This sequence change creates a premature translational stop signal (p.Asp18076Glufs*9) in the TTN gene. While this is not anticipated to result in nonsense mediated decay, it is expected to create a truncated TTN protein.

Literature cited by the submitters: PubMed 25589632; PubMed 23975875.

NM_001267550.2(TTN):c.54228del (p.Asp18076fs)

Genes: TTN-AS1 (TTN antisense RNA 1; plus strand), TTN (titin; minus strand). Cytogenetic location: 2q31.2.
Variant type: Deletion.
Coding change: c.54228del on transcript NM_001267550.2 (MANE Select); coding-DNA position 54228, one base deleted (C; older notation c.54228delC).
Protein change: p.Asp18076fs; shifts the reading frame from aspartic acid 18076.
Molecular consequence: frameshift variant. On other transcripts: non-coding transcript variant (1).
Genome position (GRCh38, 1-based): chr2:178,604,861, G deleted on the plus strand (C on the coding strand, the reverse complement: TTN is on the minus strand). VCF-style (leftmost placement, unchanged base first): chr2-178604860-TG-T. GRCh37 (hg19) VCF-style: chr2-179469587-TG-T.
Other names: c.49305del, p.Asp16435fs (NM_001256850.1); c.27033del, p.Asp9011fs (NM_003319.4); c.46524del, p.Asp15508fs (NM_133378.4); c.27408del, p.Asp9136fs (NM_133432.3); c.27609del, p.Asp9203fs (NM_133437.4); short protein forms D18076fs, D9203fs, D15508fs, D16435fs, D9011fs, D9136fs.
Identifiers: ClinVar variation 2941949 (VCV002941949.3), dbSNP rs2470160593, ClinGen allele CA2740096112.